The following is an entry in ClinVar:

ClinVar aggregate classification (germline): Uncertain significance (1 of 4 stars; one submission).

gnomAD v4.1: 2 of 1,614,208 alleles (0.00012%); highest among the groups gnomAD compares: East Asian, 0.0045%; no homozygotes.

Submission:

Labcorp Genetics (formerly Invitae), Labcorp
Classification: Uncertain significance. Last evaluated: 2022-05-05. Review status: criteria provided, single submitter. Criteria: Invitae Variant Classification Sherloc (09022015). Collection method: clinical testing. Allele origin: germline.
Comment: This sequence change replaces alanine, which is neutral and non-polar, with glycine, which is neutral and non-polar, at codon 960 of the SNRNP200 protein (p.Ala960Gly). This variant is present in population databases (rs138686895, gnomAD 0.01%). This variant has not been reported in the literature in individuals affected with SNRNP200-related conditions. Algorithms developed to predict the effect of missense changes on protein structure and function are either unavailable or do not agree on the potential impact of this missense change (SIFT: "Deleterious"; PolyPhen-2: "Possibly Damaging"; Align-GVGD: "Class C0"). Algorithms developed to predict the effect of sequence changes on RNA splicing suggest that this variant may create or strengthen a splice site. In summary, the available evidence is currently insufficient to determine the role of this variant in disease. Therefore, it has been classified as a Variant of Uncertain Significance.

NM_014014.5(SNRNP200):c.2879C>G (p.Ala960Gly)

Gene: SNRNP200 (small nuclear ribonucleoprotein U5 subunit 200; minus strand). Cytogenetic location: 2q11.2.
Variant type: single nucleotide variant.
Coding change: c.2879C>G on transcript NM_014014.5 (MANE Select); coding-DNA position 2879, C replaced by G.
Protein change: p.Ala960Gly; replaces alanine 960 with glycine.
Molecular consequence: missense variant.
Genome position (GRCh38, 1-based): chr2:96,289,860, G>C on the plus strand (C>G on the coding strand, the complement: SNRNP200 is on the minus strand). VCF-style: chr2-96289860-G-C. GRCh37 (hg19) VCF-style: chr2-96955598-G-C.
Other names: short protein forms A960G.
Identifiers: ClinVar variation 1487919 (VCV001487919.6), dbSNP rs138686895, ClinGen allele CA1778605.